The following is an entry in ClinVar:

NM_144687.4(NLRP12):c.994C>A (p.Leu332Met)

Gene: NLRP12 (NLR family pyrin domain containing 12; minus strand). Cytogenetic location: 19q13.42.
Variant type: single nucleotide variant.
Coding change: c.994C>A on transcript NM_144687.4 (MANE Select); coding-DNA position 994, C replaced by A.
Protein change: p.Leu332Met; replaces leucine 332 with methionine.
Molecular consequence: missense variant.
Genome position (GRCh38, 1-based): chr19:53,810,665, G>T on the plus strand (C>A on the coding strand, the complement: NLRP12 is on the minus strand). VCF-style: chr19-53810665-G-T. GRCh37 (hg19) VCF-style: chr19-54313919-G-T.
Other names: c.994C>A, p.Leu332Met (NM_001277126.2, NM_001277129.1); c.994C>A (NM_144687.2); short protein forms L332M.
Identifiers: ClinVar variation 2156391 (VCV002156391.27), dbSNP rs868790356, ClinGen allele CA310070817.

ClinVar aggregate classification (germline): Uncertain significance. Review status: criteria provided, multiple submitters, no conflicts (2 of 4 stars). 3 submissions from 3 submitters: Uncertain significance (3). Last evaluated 2025-10-06.

Conditions:
Inborn genetic diseases. Identifiers: MedGen C0950123, MeSH D030342.
Familial cold autoinflammatory syndrome 2 (FCAS2). Identifiers: Orphanet 247868, MedGen C2673198, MONDO:0012724, OMIM 611762.

Allele frequency attached by ClinVar (database versions not stated): gnomAD 0.00001.
gnomAD v4.1: 13 of 1,613,842 alleles (0.00081%); highest among the groups gnomAD compares: African/African-American, 0.012%; no homozygotes.

Submissions (3):

Labcorp Genetics (formerly Invitae), Labcorp
Classification: Uncertain significance for Familial cold autoinflammatory syndrome 2. Last evaluated: 2025-10-06. Review status: criteria provided, single submitter. Criteria: Invitae Variant Classification Sherloc (09022015). Collection method: clinical testing. Allele origin: germline.
Comment: This sequence change replaces leucine, which is neutral and non-polar, with methionine, which is neutral and non-polar, at codon 332 of the NLRP12 protein (p.Leu332Met). This variant is present in population databases (no rsID available, gnomAD 0.01%). This variant has not been reported in the literature in individuals affected with NLRP12-related conditions. ClinVar contains an entry for this variant (Variation ID: 2156391). Invitae Evidence Modeling of protein sequence and biophysical properties (such as structural, functional, and spatial information, amino acid conservation, physicochemical variation, residue mobility, and thermodynamic stability) indicates that this missense variant is not expected to disrupt NLRP12 protein function with a negative predictive value of 80%. In summary, the available evidence is currently insufficient to determine the role of this variant in disease. Therefore, it has been classified as a Variant of Uncertain Significance.

CeGaT Center for Human Genetics Tuebingen
Classification: Uncertain significance. Last evaluated: 2024-01-01. Review status: criteria provided, single submitter. Criteria: CeGaT Center For Human Genetics Tuebingen Variant Classification Criteria Version 2. Collection method: clinical testing. Allele origin: germline. Affected: yes. Observed: 1 variant allele.
Comment: NLRP12: PM2

Ambry Genetics
Classification: Uncertain significance for Inborn genetic diseases. Last evaluated: 2021-08-09. Review status: criteria provided, single submitter. Criteria: Ambry Variant Classification Scheme 2023. Collection method: clinical testing. Allele origin: germline.